The following is an entry in ClinVar:

NM_001128840.3(CACNA1D):c.1116+5G>A

Gene: CACNA1D (calcium voltage-gated channel subunit alpha1 D; plus strand). Cytogenetic location: 3p21.1.
Variant type: single nucleotide variant.
Coding change: c.1116+5G>A on transcript NM_001128840.3 (MANE Select); 5 bases into the intron after coding-DNA position 1116, G replaced by A.
Molecular consequence: intron variant.
Genome position (GRCh38, 1-based): chr3:53,666,540, G>A. VCF-style: chr3-53666540-G-A. GRCh37 (hg19) VCF-style: chr3-53700567-G-A.
Other names: c.1116+5G>A (NM_001128839.3, NM_000720.4).
Identifiers: ClinVar variation 1472338 (VCV001472338.6), dbSNP rs2094265497, ClinGen allele CA1365423205.

ClinVar aggregate classification (germline): Uncertain significance (1 of 4 stars; one submission).

Allele frequency attached by ClinVar (database versions not stated): gnomAD exomes below 0.00001; TOPMed below 0.00001.
gnomAD v4.1: 2 of 1,609,024 alleles (0.00012%); highest among the groups gnomAD compares: African/African-American, 0.0027%; no homozygotes.

Submission:

Labcorp Genetics (formerly Invitae), Labcorp
Classification: Uncertain significance. Last evaluated: 2021-11-03. Review status: criteria provided, single submitter. Criteria: Invitae Variant Classification Sherloc (09022015). Collection method: clinical testing. Allele origin: germline.
Comment: This sequence change falls in intron 7 of the CACNA1D gene. It does not directly change the encoded amino acid sequence of the CACNA1D protein. It affects a nucleotide within the consensus splice site. In summary, the available evidence is currently insufficient to determine the role of this variant in disease. Therefore, it has been classified as a Variant of Uncertain Significance. Variants that disrupt the consensus splice site are a relatively common cause of aberrant splicing (PMID: 17576681, 9536098). Algorithms developed to predict the effect of sequence changes on RNA splicing suggest that this variant may disrupt the consensus splice site. This variant has not been reported in the literature in individuals affected with CACNA1D-related conditions. This variant is not present in population databases (gnomAD no frequency).

Literature cited by the submitters: PubMed 17576681; PubMed 9536098.